The following is an entry in ClinVar:

ClinVar aggregate classification (germline): Likely benign (0 of 4 stars; one submission).

Conditions:
ALMS1-related disorder. Also called: ALMS1-related condition.

Submission:

PreventionGenetics, part of Exact Sciences
Classification: Likely benign for ALMS1-related condition. Last evaluated: 2023-05-24. Review status: no assertion criteria provided. Collection method: clinical testing. Allele origin: germline.
Comment: This variant is classified as likely benign based on ACMG/AMP sequence variant interpretation guidelines (Richards et al. 2015 PMID: 25741868, with internal and published modifications).

NM_001378454.1(ALMS1):c.6171A>G (p.Leu2057=)

Gene: ALMS1 (ALMS1 centrosome and basal body associated protein; plus strand). Cytogenetic location: 2p13.1.
Variant type: single nucleotide variant.
Coding change: c.6171A>G on transcript NM_001378454.1 (MANE Select); coding-DNA position 6171, A replaced by G.
Protein change: p.Leu2057=; no amino-acid change (leucine 2057 retained).
Molecular consequence: synonymous variant.
Genome position (GRCh38, 1-based): chr2:73,452,698, A>G. VCF-style: chr2-73452698-A-G. GRCh37 (hg19) VCF-style: chr2-73679825-A-G.
Other names: c.6174A>G, p.Leu2058= (NM_015120.4).
Identifiers: ClinVar variation 3346501 (VCV003346501.1).
Genomic context (GRCh38, chr2:73,452,698, plus strand): 5'-GACTCCATCCCAGACAGCTTTTCATAGTTCCTATTCTCAAACAGTAAAGCCCAATATTTT[A>G]TTTCAACAGCAGTTGCCAGATAGAGATCAAAGTAAAGGTATTCTAAAGATTTCAGCTGTC-3'
Protein context (NP_001365383.1, residues 2047-2067): SYSQTVKPNI[Leu2057=]FQQQLPDRDQ